The following is an entry in ClinVar:

NM_207122.2(EXT2):c.536+1G>T

Gene: EXT2 (exostosin glycosyltransferase 2; plus strand). Cytogenetic location: 11p11.2.
Variant type: single nucleotide variant.
Coding change: c.536+1G>T on transcript NM_207122.2 (MANE Select); the canonical splice donor site of the intron after coding-DNA position 536, G replaced by T.
Molecular consequence: splice donor variant.
Genome position (GRCh38, 1-based): chr11:44,108,249, G>T. VCF-style: chr11-44108249-G-T. GRCh37 (hg19) VCF-style: chr11-44129799-G-T.
Other names: c.536+1G>T (NM_001389630.1, NM_001178083.3, NM_001389628.1); c.635+1G>T (NM_000401.3).
Identifiers: ClinVar variation 3677437 (VCV003677437.2).

ClinVar aggregate classification (germline): Pathogenic (1 of 4 stars; one submission).

Conditions:
Exostoses, multiple, type 2 (EXT2). Also called: EXOSTOSES, MULTIPLE, TYPE II; Hereditary Multiple Osteochondromatosis, Type II. Identifiers: Orphanet 321, MedGen C1851413, MONDO:0007586, OMIM 133701.

Submission:

Labcorp Genetics (formerly Invitae), Labcorp
Classification: Pathogenic for Exostoses, multiple, type 2. Last evaluated: 2024-02-16. Review status: criteria provided, single submitter. Criteria: Invitae Variant Classification Sherloc (09022015). Collection method: clinical testing. Allele origin: germline.
Comment: This sequence change affects a donor splice site in intron 2 of the EXT2 gene. It is expected to disrupt RNA splicing. Variants that disrupt the donor or acceptor splice site typically lead to a loss of protein function (PMID: 16199547), and loss-of-function variants in EXT2 are known to be pathogenic (PMID: 10679937, 19810120). This variant is not present in population databases (gnomAD no frequency). Disruption of this splice site has been observed in individual(s) with multiple osteochondromas (PMID: 17041877). Algorithms developed to predict the effect of sequence changes on RNA splicing suggest that this variant may disrupt the consensus splice site. For these reasons, this variant has been classified as Pathogenic.

Literature cited by the submitters: PubMed 16199547; PubMed 10679937; PubMed 19810120; PubMed 17041877.